The following is an entry in ClinVar:

NM_001148.6(ANK2):c.4209T>A (p.Phe1403Leu)

Gene: ANK2 (ankyrin 2; plus strand). Cytogenetic location: 4q26.
Variant type: single nucleotide variant.
Coding change: c.4209T>A on transcript NM_001148.6 (MANE Select); coding-DNA position 4209, T replaced by A.
Protein change: p.Phe1403Leu; replaces phenylalanine 1403 with leucine.
Molecular consequence: missense variant.
Genome position (GRCh38, 1-based): chr4:113,343,103, T>A. VCF-style: chr4-113343103-T-A. GRCh37 (hg19) VCF-style: chr4-114264259-T-A.
Other names: c.4182T>A, p.Phe1394Leu (NM_001127493.3); c.4221T>A, p.Phe1407Leu (NM_001354225.2); c.4110T>A, p.Phe1370Leu (NM_001354228.2, NM_001354258.2); c.4188T>A, p.Phe1396Leu (NM_001354230.2); c.4251T>A, p.Phe1417Leu (NM_001354231.2, NM_001354242.2); c.4245T>A, p.Phe1415Leu (NM_001354232.2); c.4206T>A, p.Phe1402Leu (NM_001354235.2, NM_001354246.2, NM_001354265.2); c.4107T>A, p.Phe1369Leu (NM_001354236.2); and 31 more; short protein forms F1308L, F1348L, F1349L, F1356L, F1386L, F1396L, F1402L, F1450L.
Identifiers: ClinVar variation 1738705 (VCV001738705.2), dbSNP rs2504037704, ClinGen allele CA357911397.

ClinVar aggregate classification (germline): Uncertain significance (1 of 4 stars; one submission).

Conditions:
Cardiovascular phenotype. Identifiers: MedGen CN230736.

Submission:

Ambry Genetics
Classification: Uncertain significance for Cardiovascular phenotype. Last evaluated: 2019-01-23. Review status: criteria provided, single submitter. Criteria: Ambry Variant Classification Scheme 2023. Collection method: clinical testing. Allele origin: germline.
Comment: The p.F1403L variant (also known as c.4209T>A), located in coding exon 34 of the ANK2 gene, results from a T to A substitution at nucleotide position 4209. The phenylalanine at codon 1403 is replaced by leucine, an amino acid with highly similar properties. This amino acid position is highly conserved in available vertebrate species. In addition, the in silico prediction for this alteration is inconclusive. Since supporting evidence is limited at this time, the clinical significance of this alteration remains unclear.